The following is an entry in ClinVar:

NM_017780.4(CHD7):c.3746G>A (p.Arg1249Gln)

Gene: CHD7 (chromodomain helicase DNA binding protein 7; plus strand). Cytogenetic location: 8q12.2.
Variant type: single nucleotide variant.
Coding change: c.3746G>A on transcript NM_017780.4 (MANE Select); coding-DNA position 3746, G replaced by A.
Protein change: p.Arg1249Gln; replaces arginine 1249 with glutamine.
Molecular consequence: missense variant. On other transcripts: intron variant (1).
Genome position (GRCh38, 1-based): chr8:60,830,545, G>A. VCF-style: chr8-60830545-G-A. GRCh37 (hg19) VCF-style: chr8-61743104-G-A.
Other names: c.3746G>A (LRG_176t1); c.1717-31684G>A (NM_001316690.1); short protein forms R1249Q.
Identifiers: ClinVar variation 421113 (VCV000421113.3), dbSNP rs369298165, ClinGen allele CA4760007.

ClinVar aggregate classification (germline): Uncertain significance. Review status: criteria provided, multiple submitters, no conflicts (2 of 4 stars). 2 submissions from 2 submitters: Uncertain significance (2). Last evaluated 2026-01-21.

Conditions:
Hypogonadotropic hypogonadism 5 with or without anosmia (KAL5). Also called: HYPOGONADOTROPIC HYPOGONADISM 5 WITH ANOSMIA; HYPOGONADOTROPHIC HYPOGONADISM 5 WITHOUT ANOSMIA; CHD7-Related GnRH Deficiency (Kallmann Syndrome 5). Identifiers: Orphanet 478, MedGen C3552553, MONDO:0012880, OMIM 612370. Disease mechanism: loss of function.

Allele frequency attached by ClinVar (database versions not stated): gnomAD exomes below 0.00001; TOPMed below 0.00001; ExAC 0.00001; ESP Exome Variant Server 0.00008.
gnomAD v4.1: 1 of 1,613,958 alleles (0.000062%); highest among the groups gnomAD compares: Non-Finnish European, 0.000085%; no homozygotes.

Submissions (2):

Victorian Clinical Genetics Services, Murdoch Childrens Research Institute
Classification: Uncertain significance for Hypogonadotropic hypogonadism 5 with or without anosmia. Last evaluated: 2026-01-21. Review status: criteria provided, single submitter. Criteria: ACMG Guidelines, 2015. Collection method: clinical testing. Allele origin: germline. Affected: yes.
Comment: This variant is classified as VUS-3A. Evidence in support of pathogenic classification: Variant is present in gnomAD <0.001 for a dominant condition (v4: 1 heterozygote(s), 0 homozygote(s)); This variant has moderate previous evidence of pathogenicity in unrelated individuals. This variant has been reported in the literature as de novo in an individual with developmental delay, feeding difficulties, and a congenital heart defect (PMID: 28475860). Additionally, it has been classified as a VUS by a clinical laboratory in ClinVar; Missense variant predicted to be damaging by in silico tool(s) or highly conserved with a major amino acid change. Additional information: Variant is predicted to result in a missense amino acid change from Arg to Gln; This variant is heterozygous; This gene is associated with autosomal dominant disease; No published evidence of segregation with disease has been identified for this variant; No published functional evidence has been identified for this variant; Another missense variant(s) comparable to the one identified in this case has inconclusive previous evidence for pathogenicity. p.(Arg1249Trp) has been classified as a VUS by another clinical laboratory in ClinVar. Additionally, it has been reported in the literature as a variant of uncertain significance in a heterozygous individual with variable features including heterotaxy (DECIPHER), as well as de novo in an individual with features including hearing loss (Mondini dysplasia, EVA, accessory auricle) and solitary kidney (LOVD); Variant is located in the annotated SNF2-related domain (DECIPHER); Loss of function is a known mechanism of disease in this gene and is associated with CHARGE syndrome (MIM#214800) and hypogonadotropic hypogonadism 5 with or without anosmia (MIM#612370); Variants in this gene are known to have variable expressivity (PMID: 20301296); Inheritance information for this variant is not currently available in this individual.

GeneDx
Classification: Uncertain significance. Last evaluated: 2016-05-04. Review status: criteria provided, single submitter. Criteria: GeneDx Variant Classification (06012015). Collection method: clinical testing. Allele origin: germline. Affected: yes.
Comment: The R1249Q variant in the CHD7 gene has not been reported previously as a pathogenic variant, nor as a benign variant, to our knowledge. The R1249Q variant was not observed at any significant frequence in approximately 6,100 individuals of European and African American ancestry in the NHLBI Exome Sequencing Project, indicating it is not a common benign variant in these populations. The R1249Q variant is a semi-conservative amino acid substitution, which may impact secondary protein structure as these residues differ in some properties. This substitution occurs at a position that is conserved across species. In silico analysis predicts this variant is probably damaging to the protein structure/function. We interpret R1249Q as a variant of uncertain significance.

Literature cited by the submitters: PubMed 20301296 (cited by Victorian Clinical Genetics Services, Murdoch Childrens Research Institute); PubMed 28475860 (cited by Victorian Clinical Genetics Services, Murdoch Childrens Research Institute).